The following is an entry in ClinVar:

ClinVar aggregate classification (germline): Pathogenic (1 of 4 stars; one submission).

Conditions:
Joubert syndrome. Also called: CEREBELLOPARENCHYMAL DISORDER IV; JOUBERT-BOLTSHAUSER SYNDROME; Familial aplasia of the vermis. Identifiers: Orphanet 475, MedGen C5979921, MONDO:0018772.
Meckel-Gruber syndrome. Also called: DYSENCEPHALIA SPLANCHNOCYSTICA; GRUBER SYNDROME; Dysencephalia splachnocystica. Identifiers: Orphanet 564, MedGen C0265215, MONDO:0018921.

Submission:

Labcorp Genetics (formerly Invitae), Labcorp
Classification: Pathogenic for Joubert syndrome; Meckel-Gruber syndrome. Last evaluated: 2023-09-27. Review status: criteria provided, single submitter. Criteria: Invitae Variant Classification Sherloc (09022015). Collection method: clinical testing. Allele origin: germline.
Comment: For these reasons, this variant has been classified as Pathogenic. This variant is not present in population databases (gnomAD no frequency). This variant has not been reported in the literature in individuals affected with RPGRIP1L-related conditions. This sequence change creates a premature translational stop signal (p.Gln674Hisfs*9) in the RPGRIP1L gene. It is expected to result in an absent or disrupted protein product. Loss-of-function variants in RPGRIP1L are known to be pathogenic (PMID: 17558409).

Literature cited by the submitters: PubMed 17558409.

NM_015272.5(RPGRIP1L):c.2018_2021dup (p.Gln674fs)

Gene: RPGRIP1L (RPGRIP1 like; minus strand). Cytogenetic location: 16q12.2.
Variant type: Duplication.
Coding change: c.2018_2021dup on transcript NM_015272.5 (MANE Select); coding-DNA positions 2018 to 2021, 4 bases duplicated (TTCA; older notation c.2018_2021dupTTCA).
Protein change: p.Gln674fs; shifts the reading frame from glutamine 674.
Molecular consequence: frameshift variant.
Genome position (GRCh38, 1-based): chr16:53,652,666-53,652,669, TGAA duplicated on the plus strand (TTCA on the coding strand, the reverse complement: RPGRIP1L is on the minus strand); duplicating any 4 consecutive bases within chr16:53,652,666-53,652,670 gives the same sequence; the c. name uses the placement nearest the transcript's 3' end. VCF-style (leftmost placement, unchanged base first): chr16-53652665-C-CTGAA. GRCh37 (hg19) VCF-style: chr16-53686577-C-CTGAA.
Other names: c.2018_2021dup, p.Gln674fs (NM_001127897.4, NM_001308334.3, NM_001330538.2); short protein forms Q674fs.
Identifiers: ClinVar variation 2952337 (VCV002952337.3), dbSNP rs2544205331, ClinGen allele CA2740093365.